The following is an entry in ClinVar:

ClinVar aggregate classification (germline): Uncertain significance (1 of 4 stars; one submission).

Submission:

GeneDx
Classification: Uncertain significance. Last evaluated: 2026-02-05. Review status: criteria provided, single submitter. Criteria: GeneDx Variant Classification Process June 2021. Collection method: clinical testing. Allele origin: germline.
Comment: Not observed at significant frequency in large population cohorts (gnomAD); In-frame deletion of 3 amino acid(s) in a non-repeat region; In silico analysis suggests that this variant does not alter protein structure/function; Has not been previously published as pathogenic or benign to our knowledge

NM_001005271.3(CHD3):c.132_140del (p.Glu44_Asp46del)

Genes: CHD3 (chromodomain helicase DNA binding protein 3; plus strand), NAA38 (N-alpha-acetyltransferase 38, NatC auxiliary subunit; minus strand). Cytogenetic location: 17p13.1.
Variant type: Deletion.
Coding change: c.132_140del on transcript NM_001005271.3; coding-DNA positions 132 to 140, 9 bases deleted (GGAGGACGA; older notation c.132_140delGGAGGACGA).
Protein change: p.Glu44_Asp46del.
Molecular consequence: inframe deletion. On other transcripts: intron variant (1).
Genome position (GRCh38, 1-based): chr17:7,884,938-7,884,946, GGAGGACGA deleted; deleting any 9 consecutive bases within chr17:7,884,936-7,884,946 gives the same sequence; the c. name uses the placement nearest the transcript's 3' end. VCF-style (leftmost placement, unchanged base first): chr17-7884935-TGAGGAGGAC-T. GRCh37 (hg19) VCF-style: chr17-7788253-TGAGGAGGAC-T.
Other names: c.132_140del, p.Glu44_Asp46del (NM_001437507.1, NM_001437508.1, NM_001437509.1 and 1 more transcripts); c.-167+221_-167+229del (NM_001330111.2).
Identifiers: ClinVar variation 4975736 (VCV004975736.1).